The following is an entry in ClinVar:

ClinVar aggregate classification (germline): Benign/Likely benign. Review status: criteria provided, multiple submitters, no conflicts (2 of 4 stars). 4 submissions from 4 submitters: Benign (2); Likely benign (1). 1 of the submissions does not count toward it. Last evaluated 2025-07-17.

Conditions:
UBA1-related disorder. Also called: UBA1-related condition.
Infantile-onset X-linked spinal muscular atrophy. Also called: Spinal Muscular Atrophy, X-Linked Infantile; AMC, DISTAL, X-LINKED; ARTHROGRYPOSIS, X-LINKED, TYPE I; Spinal muscular atrophy, X-linked 2; SPINAL MUSCULAR ATROPHY, X-LINKED LETHAL INFANTILE. Identifiers: Orphanet 1145, MedGen C1844934, MONDO:0010532, OMIM 301830.

Allele frequency attached by ClinVar (database versions not stated): TOPMed 0.00007; gnomAD 0.00011 and 0.00013; ExAC 0.00020; 1000 Genomes Project 30x 0.00042; 1000 Genomes Project 0.00053.
gnomAD v4.1: 49 of 1,201,727 alleles (0.0041%); highest among the groups gnomAD compares: East Asian, 0.05%; no homozygotes.

Submissions (4):

Mayo Clinic Laboratories, Mayo Clinic
Classification: Benign. Last evaluated: 2025-07-17. Review status: criteria provided, single submitter. Criteria: ACMG Guidelines, 2015. Collection method: clinical testing. Allele origin: germline. Observed: 1 variant allele.
Comment: BS1, BS2, BP4, BP7

Labcorp Genetics (formerly Invitae), Labcorp
Classification: Benign for Infantile-onset X-linked spinal muscular atrophy. Last evaluated: 2024-08-13. Review status: criteria provided, single submitter. Criteria: Invitae Variant Classification Sherloc (09022015). Collection method: clinical testing. Allele origin: germline.

GeneDx
Classification: Likely benign. Last evaluated: 2016-08-01. Review status: criteria provided, single submitter. Criteria: GeneDx Variant Classification (06012015). Collection method: clinical testing. Allele origin: germline. Affected: yes.
Comment: This variant is considered likely benign or benign based on one or more of the following criteria: it is a conservative change, it occurs at a poorly conserved position in the protein, it is predicted to be benign by multiple in silico algorithms, and/or has population frequency not consistent with disease.

PreventionGenetics, part of Exact Sciences
Classification: Likely benign for UBA1-related condition. Last evaluated: 2019-08-21. Review status: no assertion criteria provided. Collection method: clinical testing. Allele origin: germline. Not counted in ClinVar's aggregate classification.
Comment: This variant is classified as likely benign based on ACMG/AMP sequence variant interpretation guidelines (Richards et al. 2015 PMID: 25741868, with internal and published modifications).

NM_003334.4(UBA1):c.812-4G>A

Gene: UBA1 (ubiquitin like modifier activating enzyme 1; plus strand). Cytogenetic location: Xp11.3.
Variant type: single nucleotide variant.
Coding change: c.812-4G>A on transcript NM_003334.4 (MANE Select); 4 bases into the intron before coding-DNA position 812, G replaced by A.
Molecular consequence: intron variant.
Genome position (GRCh38, 1-based): chrX:47,202,152, G>A. VCF-style: chrX-47202152-G-A. GRCh37 (hg19) VCF-style: chrX-47061551-G-A.
Other names: p.?; c.812-4G>A (NM_153280.3).
Identifiers: ClinVar variation 387591 (VCV000387591.13), dbSNP rs372842152, ClinGen allele CA10395770.